The following is an entry in ClinVar:

ClinVar aggregate classification (germline): Likely pathogenic (1 of 4 stars; one submission).

Conditions:
X-linked intellectual disability, Cantagrel type (XLID98). Also called: INTELLECTUAL DEVELOPMENTAL DISORDER, X-LINKED 98. Identifiers: Orphanet 85277, MedGen C3806730, MONDO:0010483, OMIM 300912.

Submission:

3billion
Classification: Likely pathogenic for X-linked intellectual disability, Cantagrel type. Last evaluated: 2024-02-15. Review status: criteria provided, single submitter. Criteria: ACMG Guidelines, 2015. Collection method: clinical testing. Allele origin: germline. Affected: yes.
Comment: The variant is not observed in the gnomAD v2.1.1 dataset. Predicted Consequence/Location: Frameshift: predicted to result in a loss or disruption of normal protein function through nonsense-mediated decay (NMD) or protein truncation. Multiple pathogenic variants are reported downstream of the variant. Therefore, this variant is classified as Likely pathogenic according to the recommendation of ACMG/AMP guideline.

NM_001008537.3(NEXMIF):c.409del (p.Asp137fs)

Gene: NEXMIF (neurite extension and migration factor; minus strand). Cytogenetic location: Xq13.3.
Variant type: Deletion.
Coding change: c.409del on transcript NM_001008537.3 (MANE Select); coding-DNA position 409, one base deleted (G; older notation c.409delG).
Protein change: p.Asp137fs; shifts the reading frame from aspartic acid 137.
Molecular consequence: frameshift variant.
Genome position (GRCh38, 1-based): chrX:74,744,148, C deleted on the plus strand (G on the coding strand, the reverse complement: NEXMIF is on the minus strand); the first of 4 consecutive C bases (chrX:74,744,148-74,744,151); deleting any one gives the same sequence. VCF-style (leftmost placement, unchanged base first): chrX-74744147-TC-T. GRCh37 (hg19) VCF-style: chrX-73963982-TC-T.
Other names: short protein forms D137fs.
Identifiers: ClinVar variation 3775910 (VCV003775910.1).